The following is an entry in ClinVar:

NM_016562.4(TLR7):c.1520T>C (p.Phe507Ser)

Gene: TLR7 (toll like receptor 7; plus strand). Cytogenetic location: Xp22.2.
Variant type: single nucleotide variant.
Coding change: c.1520T>C on transcript NM_016562.4 (MANE Select); coding-DNA position 1520, T replaced by C.
Protein change: p.Phe507Ser; replaces phenylalanine 507 with serine.
Molecular consequence: missense variant.
Genome position (GRCh38, 1-based): chrX:12,887,028, T>C. VCF-style: chrX-12887028-T-C. GRCh37 (hg19) VCF-style: chrX-12905147-T-C.
Other names: short protein forms F507S.
Identifiers: ClinVar variation 4086267 (VCV004086267.1).
Genomic context (GRCh38, chrX:12,887,028, plus strand): 5'-TTAATGAAAGCTGCTACAAGTATGGGCAGACCTTGGATCTAAGTAAAAATAGTATATTTT[T>C]TGTCAAGTCCTCTGATTTTCAGCATCTTTCTTTCCTCAAATGCCTGAATCTGTCAGGAAA-3'
Protein context (NP_057646.1, residues 497-517): TLDLSKNSIF[Phe507Ser]VKSSDFQHLS

ClinVar aggregate classification (germline): Pathogenic (0 of 4 stars; one submission).

Conditions:
Systemic lupus erythematosus (SLE). Identifiers: Orphanet 536, MedGen C0024141, MONDO:0007915, OMIM 152700, HP:0002725.

Submission:

Children's Medical Center, Division of Allergy and Clinical Immunology, Tehran University of Medical Sciences
Classification: Pathogenic for Systemic lupus erythematosus. Review status: no assertion criteria provided. Collection method: clinical testing. Allele origin: de novo. Inheritance: X-linked dominant inheritance. Affected: yes. Observed: 1 hemizygote.
Comment: F507S variant has been reported in three members of a family presenting with Aicardi–Goutières syndrome. By changing the homodimerization interface, the F507S mutation produces a GOF in TLR7, which in turn enhances TLR7 signaling and leads to increased NF-kB activation when stimulated with TLR7 agonists. The disease inherited as X-linked dominant. PubMed 38324161

Literature cited by the submitters: PubMed 38324161.